The following is an entry in ClinVar:

ClinVar aggregate classification (germline): Likely pathogenic (1 of 4 stars; one submission).

Conditions:
Progressive familial intrahepatic cholestasis type 3. Also called: MDR3 DEFICIENCY; Low Gamma-GT Familial Intrahepatic Cholestasis. Identifiers: Orphanet 79305, MedGen C1865643, MONDO:0011214, OMIM 602347.

Submission:

Neuberg Centre For Genomic Medicine, NCGM
Classification: Likely pathogenic for Progressive familial intrahepatic cholestasis type 3. Review status: criteria provided, single submitter. Criteria: ACMG Guidelines, 2015. Collection method: clinical testing. Allele origin: germline. Inheritance: Autosomal recessive inheritance. Affected: yes.
Comment: The splice site c.3081+1G>T variant has not been reported previously as a pathogenic variant nor as a benign variant, to our knowledge. The c.3081+1G>T variant is novel (not in any individuals) in gnomAD Exomes and 1000 Genomes. Loss of function variants have been previously reported to be disease causing. For these reasons, this variant has been classified as Likely Pathogenic. In the absence of second reportable variant molecular diagnosis is not confirmed.

NM_000443.4(ABCB4):c.3081+1G>T

Gene: ABCB4 (ATP binding cassette subfamily B member 4; minus strand). Cytogenetic location: 7q21.12.
Variant type: single nucleotide variant.
Coding change: c.3081+1G>T on transcript NM_000443.4 (MANE Select); the canonical splice donor site of the intron after coding-DNA position 3081, G replaced by T.
Molecular consequence: splice donor variant.
Genome position (GRCh38, 1-based): chr7:87,409,235, C>A on the plus strand (G>T on the coding strand, the complement: ABCB4 is on the minus strand). VCF-style: chr7-87409235-C-A. GRCh37 (hg19) VCF-style: chr7-87038551-C-A.
Other names: c.2940+1G>T (NM_018850.3); c.3081+1G>T (NM_018849.3).
Identifiers: ClinVar variation 2585543 (VCV002585543.1), dbSNP rs750829010, ClinGen allele CA368059565.